The following is an entry in ClinVar:

ClinVar aggregate classification (germline): Benign/Likely benign. Review status: criteria provided, multiple submitters, no conflicts (2 of 4 stars). 3 submissions from 3 submitters: Benign (1); Likely benign (2). Last evaluated 2024-11-07.

Conditions:
Hereditary cancer-predisposing syndrome. Also called: Neoplastic Syndromes, Hereditary; Tumor predisposition; Hereditary Cancer Syndrome; Hereditary neoplastic syndrome. Identifiers: Orphanet 140162, MedGen C0027672, MeSH D009386, MONDO:0015356.
Oligodontia-cancer predisposition syndrome. Also called: TOOTH AGENESIS-COLORECTAL CANCER SYNDROME. Identifiers: Orphanet 300576, MedGen C1837750, MONDO:0012075, OMIM 608615. Disease mechanism: loss of function.

Allele frequency attached by ClinVar (database versions not stated): gnomAD exomes below 0.00001 and 0.00001; TOPMed below 0.00001; ExAC 0.00001.
gnomAD v4.1: 10 of 1,614,092 alleles (0.00062%); highest among the groups gnomAD compares: South Asian, 0.0011%; no homozygotes.

Submissions (3):

Labcorp Genetics (formerly Invitae), Labcorp
Classification: Likely benign for Oligodontia-cancer predisposition syndrome. Last evaluated: 2024-11-07. Review status: criteria provided, single submitter. Criteria: Invitae Variant Classification Sherloc (09022015). Collection method: clinical testing. Allele origin: germline.

Myriad Genetics, Inc.
Classification: Benign for Oligodontia-cancer predisposition syndrome. Last evaluated: 2024-07-11. Review status: criteria provided, single submitter. Criteria: Myriad Autosomal Dominant, Autosomal Recessive and X-Linked Classification Criteria (2023). Collection method: clinical testing. Allele origin: unknown.
Comment: This variant is considered benign. This variant is a silent/synonymous amino acid change and it is not expected to impact splicing.

Ambry Genetics
Classification: Likely benign for Hereditary cancer-predisposing syndrome. Last evaluated: 2022-09-18. Review status: criteria provided, single submitter. Criteria: Ambry Variant Classification Scheme 2023. Collection method: clinical testing. Allele origin: germline.

NM_004655.4(AXIN2):c.2427C>T (p.Ser809=)

Gene: AXIN2 (axin 2; minus strand). Cytogenetic location: 17q24.1.
Variant type: single nucleotide variant.
Coding change: c.2427C>T on transcript NM_004655.4 (MANE Select); coding-DNA position 2427, C replaced by T.
Protein change: p.Ser809=; no amino-acid change (serine 809 retained).
Molecular consequence: synonymous variant.
Genome position (GRCh38, 1-based): chr17:65,530,081, G>A on the plus strand (C>T on the coding strand, the complement: AXIN2 is on the minus strand). VCF-style: chr17-65530081-G-A. GRCh37 (hg19) VCF-style: chr17-63526199-G-A.
Other names: c.2427C>T (LRG_296t1); c.2232C>T, p.Ser744= (NM_001363813.1).
Identifiers: ClinVar variation 464611 (VCV000464611.14), dbSNP rs758857739, ClinGen allele CA8718290.